The following is an entry in ClinVar:

NM_198578.4(LRRK2):c.3760C>T (p.His1254Tyr)

Gene: LRRK2 (leucine rich repeat kinase 2; plus strand). Cytogenetic location: 12q12.
Variant type: single nucleotide variant.
Coding change: c.3760C>T on transcript NM_198578.4 (MANE Select); coding-DNA position 3760, C replaced by T.
Protein change: p.His1254Tyr; replaces histidine 1254 with tyrosine.
Molecular consequence: missense variant.
Genome position (GRCh38, 1-based): chr12:40,304,117, C>T. VCF-style: chr12-40304117-C-T. GRCh37 (hg19) VCF-style: chr12-40697919-C-T.
Other names: short protein forms H1254Y.
Identifiers: ClinVar variation 3291846 (VCV003291846.2).

ClinVar aggregate classification (germline): Uncertain significance. Review status: criteria provided, multiple submitters, no conflicts (2 of 4 stars). 2 submissions from 2 submitters: Uncertain significance (2). Last evaluated 2026-02-25.

Conditions:
Inborn genetic diseases. Identifiers: MedGen C0950123, MeSH D030342.

Submissions (2):

Women's Health and Genetics/Laboratory Corporation of America, LabCorp
Classification: Uncertain significance. Last evaluated: 2026-02-25. Review status: criteria provided, single submitter. Criteria: LabCorp Variant Classification Summary - May 2015. Collection method: clinical testing. Allele origin: germline.
Comment: Variant summary: LRRK2 c.3760C>T (p.His1254Tyr) results in a conservative amino acid change in the encoded protein sequence. Algorithms developed to predict the effect of missense changes on protein structure and function all suggest that this variant is likely to be tolerated. The variant was absent in 250090 control chromosomes. The available data on variant occurrences in the general population are insufficient to allow any conclusion about variant significance. To our knowledge, no occurrence of c.3760C>T in individuals affected with LRRK2-related conditions and no experimental evidence demonstrating its impact on protein function have been reported. ClinVar contains an entry for this variant (Variation ID: 3291846). Based on the evidence outlined above, the variant was classified as uncertain significance.

Ambry Genetics
Classification: Uncertain significance for Inborn genetic diseases. Last evaluated: 2024-04-19. Review status: criteria provided, single submitter. Criteria: Ambry Variant Classification Scheme 2023. Collection method: clinical testing. Allele origin: germline.
Comment: The p.H1254Y variant (also known as c.3760C>T), located in coding exon 27 of the LRRK2 gene, results from a C to T substitution at nucleotide position 3760. The histidine at codon 1254 is replaced by tyrosine, an amino acid with similar properties. This amino acid position is conserved. In addition, this alteration is predicted to be tolerated by in silico analysis. Based on the available evidence, the clinical significance of this variant remains unclear.